The following is an entry in ClinVar:

ClinVar aggregate classification (germline): Conflicting classifications of pathogenicity. Review status: criteria provided, conflicting classifications (1 of 4 stars). 7 submissions from 7 submitters: Uncertain significance (1); Benign (2); Likely benign (2). 2 of the submissions do not count toward it. Last evaluated 2026-04-03.

Conditions:
EPG5-related disorder. Also called: EPG5-related condition. Identifiers: MedGen CN381528.
Vici syndrome (VICIS). Identifiers: Orphanet 1493, MedGen C1855772, MONDO:0009452, OMIM 242840.

Allele frequency attached by ClinVar (database versions not stated): ExAC 0.00069; ESP Exome Variant Server 0.00148; gnomAD 0.00217 and 0.00232; TOPMed 0.00220; 1000 Genomes Project 30x 0.00312; 1000 Genomes Project 0.00359.
gnomAD v4.1: 668 of 1,600,860 alleles (0.042%); highest among the groups gnomAD compares: African/African-American, 0.78%; 1 homozygote.

Submissions (7):

PreventionGenetics, part of Exact Sciences
Classification: Benign for EPG5-related condition. Last evaluated: 2026-04-03. Review status: criteria provided, single submitter. Criteria: ACMG Guidelines, 2015. Collection method: clinical testing. Allele origin: germline.
Comment: This variant is classified as benign based on ACMG/AMP sequence variant interpretation guidelines (Richards et al. 2015 PMID: 25741868, with internal and published modifications).

Labcorp Genetics (formerly Invitae), Labcorp
Classification: Likely benign for Vici syndrome. Last evaluated: 2026-01-28. Review status: criteria provided, single submitter. Criteria: Invitae Variant Classification Sherloc (09022015). Collection method: clinical testing. Allele origin: germline.

Blueprint Genetics
Classification: Likely benign. Last evaluated: 2024-10-07. Review status: criteria provided, single submitter. Criteria: ACMG Guidelines, 2015. Collection method: clinical testing. Allele origin: germline.

CeGaT Center for Human Genetics Tuebingen
Classification: Benign. Last evaluated: 2022-09-01. Review status: criteria provided, single submitter. Criteria: CeGaT Center For Human Genetics Tuebingen Variant Classification Criteria Version 2. Collection method: clinical testing. Allele origin: germline. Affected: yes. Observed: 1 variant allele.
Comment: EPG5: BS1, BS2

GeneDx
Classification: Uncertain significance. Last evaluated: 2021-09-08. Review status: criteria provided, single submitter. Criteria: GeneDx Variant Classification Process June 2021. Collection method: clinical testing. Allele origin: germline. Affected: yes.
Comment: Has not been previously published as pathogenic or benign to our knowledge; In silico analysis supports that this missense variant has a deleterious effect on protein structure/function

Clinical Genetics DNA and cytogenetics Diagnostics Lab, Erasmus MC, Erasmus Medical Center
Classification: Uncertain significance. Review status: no assertion criteria provided. Collection method: clinical testing. Allele origin: germline. Affected: yes. Study: VKGL Data-share Consensus. Not counted in ClinVar's aggregate classification.

Laboratory of Diagnostic Genome Analysis, Leiden University Medical Center (LUMC)
Classification: Uncertain significance. Review status: no assertion criteria provided. Collection method: clinical testing. Allele origin: germline. Affected: yes. Study: VKGL Data-share Consensus. Not counted in ClinVar's aggregate classification.

NM_020964.3(EPG5):c.3965G>A (p.Arg1322His)

Gene: EPG5 (ectopic P-granules 5 autophagy tethering factor; minus strand). Cytogenetic location: 18q21.1.
Variant type: single nucleotide variant.
Coding change: c.3965G>A on transcript NM_020964.3 (MANE Select); coding-DNA position 3965, G replaced by A.
Protein change: p.Arg1322His; replaces arginine 1322 with histidine.
Molecular consequence: missense variant.
Genome position (GRCh38, 1-based): chr18:45,912,308, C>T on the plus strand (G>A on the coding strand, the complement: EPG5 is on the minus strand). VCF-style: chr18-45912308-C-T. GRCh37 (hg19) VCF-style: chr18-43492273-C-T.
Other names: c.3965G>A, p.Arg1322His (LRG_1234t1); short protein forms R1322H.
Identifiers: ClinVar variation 466249 (VCV000466249.49), dbSNP rs148641800, ClinGen allele CA8949023.